The following is an entry in ClinVar:

NM_002202.3(ISL1):c.462G>T (p.Arg154=)

Gene: ISL1 (ISL LIM homeobox 1; plus strand). Cytogenetic location: 5q11.1.
Variant type: single nucleotide variant.
Coding change: c.462G>T on transcript NM_002202.3 (MANE Select); coding-DNA position 462, G replaced by T.
Protein change: p.Arg154=; no amino-acid change (arginine 154 retained).
Molecular consequence: synonymous variant.
Genome position (GRCh38, 1-based): chr5:51,387,733, G>T. VCF-style: chr5-51387733-G-T. GRCh37 (hg19) VCF-style: chr5-50683567-G-T.
Identifiers: ClinVar variation 3351456 (VCV003351456.1).

ClinVar aggregate classification (germline): Likely benign (0 of 4 stars; one submission).

Conditions:
ISL1-related disorder. Also called: ISL1-related condition.

gnomAD v4.1: 57 of 1,614,030 alleles (0.0035%); highest among the groups gnomAD compares: Non-Finnish European, 0.0047%; no homozygotes.

Submission:

PreventionGenetics, part of Exact Sciences
Classification: Likely benign for ISL1-related condition. Last evaluated: 2024-05-12. Review status: no assertion criteria provided. Collection method: clinical testing. Allele origin: germline.
Comment: This variant is classified as likely benign based on ACMG/AMP sequence variant interpretation guidelines (Richards et al. 2015 PMID: 25741868, with internal and published modifications).